The following is an entry in ClinVar:

NM_024753.5(TTC21B):c.2128A>G (p.Thr710Ala)

Gene: TTC21B (tetratricopeptide repeat domain 21B; minus strand). Cytogenetic location: 2q24.3.
Variant type: single nucleotide variant.
Coding change: c.2128A>G on transcript NM_024753.5 (MANE Select); coding-DNA position 2128, A replaced by G.
Protein change: p.Thr710Ala; replaces threonine 710 with alanine.
Molecular consequence: missense variant.
Genome position (GRCh38, 1-based): chr2:165,915,211, T>C on the plus strand (A>G on the coding strand, the complement: TTC21B is on the minus strand). VCF-style: chr2-165915211-T-C. GRCh37 (hg19) VCF-style: chr2-166771721-T-C.
Other names: c.2128A>G (NM_024753.3); short protein forms T710A.
Identifiers: ClinVar variation 1422957 (VCV001422957.10), dbSNP rs1457311503, ClinGen allele CA349058554.
Genomic context (GRCh38, chr2:165,915,211, plus strand): 5'-TACTAGTGGCTAAATGTATCAAAATATAATGGGTTAAGACAATTACTTACCTAAAACAAG[T>C]GATATATAACATTTTATCTTTTCTGTGCTTCAGATAAATATCTGCCATTTTTTCTCTGGC-3'
Protein context (NP_079029.3, residues 700-720): KHRKDKMLYI[Thr710Ala]CFREIAERMA

ClinVar aggregate classification (germline): Uncertain significance. Review status: criteria provided, multiple submitters, no conflicts (2 of 4 stars). 3 submissions from 3 submitters: Uncertain significance (3). Last evaluated 2022-11-03.

Conditions:
Inborn genetic diseases. Identifiers: MedGen C0950123, MeSH D030342.
Nephronophthisis 12 (NPHP12). Identifiers: Orphanet 655, MedGen C3151186, MONDO:0013442, OMIM 613820.
Asphyxiating thoracic dystrophy 4 (SRTD4). Also called: SHORT-RIB THORACIC DYSPLASIA 4 WITH OR WITHOUT POLYDACTYLY; SHORT-RIB THORACIC DYSPLASIA 4. Identifiers: Orphanet 474, MedGen C3151185, MONDO:0013441, OMIM 613819.
Nephronophthisis. Also called: Juvenile Nephronophthisis. Identifiers: Orphanet 655, MedGen C0687120, MONDO:0019005, HP:0000090.
Jeune thoracic dystrophy. Also called: Short-rib thoracic dysplasia; Infantile thoracic dystrophy; Thoracic pelvic phalangeal dystrophy; Jeune's syndrome; Chondroectodermal dysplasia-like syndrome; Jeune syndrome. Identifiers: Orphanet 474, MedGen C0265275, MONDO:0018770.

Allele frequency attached by ClinVar (database versions not stated): gnomAD exomes below 0.00001; TOPMed 0.00001.
gnomAD v4.1: 2 of 1,611,658 alleles (0.00012%); highest among the groups gnomAD compares: Non-Finnish European, 0.00017%; no homozygotes.

Submissions (3):

Ambry Genetics
Classification: Uncertain significance for Inborn genetic diseases. Last evaluated: 2022-11-03. Review status: criteria provided, single submitter. Criteria: Ambry Variant Classification Scheme 2023. Collection method: clinical testing. Allele origin: germline.

Labcorp Genetics (formerly Invitae), Labcorp
Classification: Uncertain significance for Jeune thoracic dystrophy; Nephronophthisis. Last evaluated: 2022-03-10. Review status: criteria provided, single submitter. Criteria: Invitae Variant Classification Sherloc (09022015). Collection method: clinical testing. Allele origin: germline.
Comment: In summary, the available evidence is currently insufficient to determine the role of this variant in disease. Therefore, it has been classified as a Variant of Uncertain Significance. Algorithms developed to predict the effect of missense changes on protein structure and function (SIFT, PolyPhen-2, Align-GVGD) all suggest that this variant is likely to be tolerated. This variant has not been reported in the literature in individuals affected with TTC21B-related conditions. This variant is not present in population databases (gnomAD no frequency). This sequence change replaces threonine, which is neutral and polar, with alanine, which is neutral and non-polar, at codon 710 of the TTC21B protein (p.Thr710Ala).

Fulgent Genetics
Classification: Uncertain significance for Asphyxiating thoracic dystrophy 4; Nephronophthisis 12. Last evaluated: 2022-01-14. Review status: criteria provided, single submitter. Criteria: ACMG Guidelines, 2015. Collection method: clinical testing. Allele origin: unknown.